The following is an entry in ClinVar:

ClinVar aggregate classification (germline): Uncertain significance (1 of 4 stars; one submission).

Conditions:
Familial hypobetalipoproteinemia 1. Also called: Hypobetalipoproteinemia, normotriglyceridemic; Acanthocytosis with hypobetalipoproteinemia; APOB-Related Familial Hypobetalipoproteinemia. Identifiers: MedGen C4551990, MONDO:0014252, OMIM 615558.
Hypercholesterolemia, autosomal dominant, type B (FHCL2). Also called: Familial Hypercholesterolemia Type B; APOLIPOPROTEIN B-100, FAMILIAL DEFECTIVE; APOLIPOPROTEIN B-100, FAMILIAL LIGAND-DEFECTIVE; HYPERCHOLESTEROLEMIA, FAMILIAL, DUE TO LIGAND-DEFECTIVE APOLIPOPROTEIN B; APOB-Related Familial Hypercholesterolemia, Autosomal Dominant; Hyperlipoproteinemia Type IIb. Identifiers: MedGen C1704417, MONDO:0007751, OMIM 144010.

Submission:

Labcorp Genetics (formerly Invitae), Labcorp
Classification: Uncertain significance for Familial hypobetalipoproteinemia 1; Hypercholesterolemia, autosomal dominant, type B. Last evaluated: 2025-03-19. Review status: criteria provided, single submitter. Criteria: Invitae Variant Classification Sherloc (09022015). Collection method: clinical testing. Allele origin: germline.
Comment: This sequence change replaces isoleucine, which is neutral and non-polar, with valine, which is neutral and non-polar, at codon 337 of the APOB protein (p.Ile337Val). This variant is not present in population databases (gnomAD no frequency). This variant has not been reported in the literature in individuals affected with APOB-related conditions. Invitae Evidence Modeling of protein sequence and biophysical properties (such as structural, functional, and spatial information, amino acid conservation, physicochemical variation, residue mobility, and thermodynamic stability) indicates that this missense variant is not expected to disrupt APOB protein function with a negative predictive value of 95%. In summary, the available evidence is currently insufficient to determine the role of this variant in disease. Therefore, it has been classified as a Variant of Uncertain Significance.

NM_000384.3(APOB):c.1009A>G (p.Ile337Val)

Gene: APOB (apolipoprotein B; minus strand). Cytogenetic location: 2p24.1.
Variant type: single nucleotide variant.
Coding change: c.1009A>G on transcript NM_000384.3 (MANE Select); coding-DNA position 1009, A replaced by G.
Protein change: p.Ile337Val; replaces isoleucine 337 with valine.
Molecular consequence: missense variant.
Genome position (GRCh38, 1-based): chr2:21,033,414, T>C on the plus strand (A>G on the coding strand, the complement: APOB is on the minus strand). VCF-style: chr2-21033414-T-C. GRCh37 (hg19) VCF-style: chr2-21256286-T-C.
Other names: short protein forms I337V.
Identifiers: ClinVar variation 4791652 (VCV004791652.1).
Genomic context (GRCh38, chr2:21,033,414, plus strand): 5'-CTCTCAGCTCAGTAACCAGCTTATTGAAGAGATTAGCTCTCTGGATATTTTGCTCAGAGA[T>C]GGTTAGTTTTTTCAGTTCCTGGAGAGTCTTCAAAACAGCTTCGGCCTGCTTTGGAGGTGA-3'
Protein context (NP_000375.3, residues 327-347): KTLQELKKLT[Ile337Val]SEQNIQRANL